The following is an entry in ClinVar:

ClinVar aggregate classification (germline): Uncertain significance (1 of 4 stars; one submission).

Conditions:
Congenital factor V deficiency. Also called: LABILE FACTOR DEFICIENCY; OWREN PARAHEMOPHILIA; PARAHEMOPHILIA; Hereditary factor V deficiency disease. Identifiers: Orphanet 326, MedGen C0015499, MONDO:0009210, OMIM 227400.

gnomAD v4.1: 23 of 1,513,112 alleles (0.0015%); highest among the groups gnomAD compares: Non-Finnish European, 0.0019%; no homozygotes.

Submission:

Labcorp Genetics (formerly Invitae), Labcorp
Classification: Uncertain significance for Congenital factor V deficiency. Last evaluated: 2024-04-22. Review status: criteria provided, single submitter. Criteria: Invitae Variant Classification Sherloc (09022015). Collection method: clinical testing. Allele origin: germline.
Comment: This sequence change replaces asparagine, which is neutral and polar, with aspartic acid, which is acidic and polar, at codon 55 of the F5 protein (p.Asn55Asp). This variant is present in population databases (rs756206405, gnomAD 0.002%). This variant has not been reported in the literature in individuals affected with F5-related conditions. Advanced modeling of protein sequence and biophysical properties (such as structural, functional, and spatial information, amino acid conservation, physicochemical variation, residue mobility, and thermodynamic stability) performed at Invitae indicates that this missense variant is not expected to disrupt F5 protein function with a negative predictive value of 95%. In summary, the available evidence is currently insufficient to determine the role of this variant in disease. Therefore, it has been classified as a Variant of Uncertain Significance.

NM_000130.5(F5):c.163A>G (p.Asn55Asp)

Gene: F5 (coagulation factor V; minus strand). Cytogenetic location: 1q24.2.
Variant type: single nucleotide variant.
Coding change: c.163A>G on transcript NM_000130.5 (MANE Select); coding-DNA position 163, A replaced by G.
Protein change: p.Asn55Asp; replaces asparagine 55 with aspartic acid.
Molecular consequence: missense variant.
Genome position (GRCh38, 1-based): chr1:169,582,518, T>C on the plus strand (A>G on the coding strand, the complement: F5 is on the minus strand). VCF-style: chr1-169582518-T-C. GRCh37 (hg19) VCF-style: chr1-169551756-T-C.
Other names: short protein forms N55D.
Identifiers: ClinVar variation 3713154 (VCV003713154.2).
Genomic context (GRCh38, chr1:169,582,518, plus strand): 5'-TCTTAAAATATGGTTCATACTCTCTGTAGACAATTTTCTTAAAGGAAGTTACAGAAAGAT[T>C]CAAACTGGAAATAAAATACAAAAACTAATTTGAAAGGCATATTCAATATCTATTTCTCAC-3'
Protein context (NP_000121.2, residues 45-65): YRPEPTNSSL[Asn55Asp]LSVTSFKKIV